The following is an entry in ClinVar:

ClinVar aggregate classification (germline): Conflicting classifications of pathogenicity. Review status: criteria provided, conflicting classifications (1 of 4 stars). 2 submissions from 2 submitters: Uncertain significance (1); Likely benign (1). Last evaluated 2025-07-09.

Conditions:
ZNF469-related disorder. Also called: ZNF469-related condition.
Cardiovascular phenotype. Identifiers: MedGen CN230736.

Allele frequency attached by ClinVar (database versions not stated): gnomAD 0.00003 and 0.00004; gnomAD exomes 0.00003 and 0.00005; TOPMed 0.00004; ExAC 0.00005.
gnomAD v4.1: 71 of 1,550,342 alleles (0.0046%); highest among the groups gnomAD compares: African/African-American, 0.0082%; 1 homozygote.

Submissions (2):

PreventionGenetics, part of Exact Sciences
Classification: Uncertain significance for ZNF469-related condition. Last evaluated: 2025-07-09. Review status: criteria provided, single submitter. Criteria: ACMG Guidelines, 2015. Collection method: clinical testing. Allele origin: germline.
Comment: The ZNF469 c.11482C>T variant is predicted to result in the amino acid substitution p.Arg3828Cys. To our knowledge, this variant has not been reported in the literature. This variant is reported in 0.0051% of alleles in individuals of European (Non-Finnish) descent in gnomAD. At this time, the clinical significance of this variant is uncertain due to the absence of conclusive functional and genetic evidence.

Ambry Genetics
Classification: Likely benign for Cardiovascular phenotype. Last evaluated: 2024-05-02. Review status: criteria provided, single submitter. Criteria: Ambry Variant Classification Scheme 2023. Collection method: clinical testing. Allele origin: germline.

NM_001367624.2(ZNF469):c.11566C>T (p.Arg3856Cys)

Gene: ZNF469 (zinc finger protein 469; plus strand). Cytogenetic location: 16q24.2.
Variant type: single nucleotide variant.
Coding change: c.11566C>T on transcript NM_001367624.2 (MANE Select); coding-DNA position 11566, C replaced by T.
Protein change: p.Arg3856Cys; replaces arginine 3856 with cysteine.
Molecular consequence: missense variant.
Genome position (GRCh38, 1-based): chr16:88,439,036, C>T. VCF-style: chr16-88439036-C-T. GRCh37 (hg19) VCF-style: chr16-88505444-C-T.
Other names: NM_001127464.2:c.11482C>T; short protein forms R3856C.
Identifiers: ClinVar variation 321029 (VCV000321029.9), dbSNP rs762894872, ClinGen allele CA8225621.